The following is an entry in ClinVar:

NM_003738.5(PTCH2):c.2976+1G>A

Gene: PTCH2 (patched 2; minus strand). Cytogenetic location: 1p34.1.
Variant type: single nucleotide variant.
Coding change: c.2976+1G>A on transcript NM_003738.5 (MANE Select); the canonical splice donor site of the intron after coding-DNA position 2976, G replaced by A.
Molecular consequence: splice donor variant.
Genome position (GRCh38, 1-based): chr1:44,826,487, C>T on the plus strand (G>A on the coding strand, the complement: PTCH2 is on the minus strand). VCF-style: chr1-44826487-C-T. GRCh37 (hg19) VCF-style: chr1-45292159-C-T.
Other names: c.2976+1G>A (NM_001166292.2).
Identifiers: ClinVar variation 2184957 (VCV002184957.4), dbSNP rs763706563, ClinGen allele CA822845.

ClinVar aggregate classification (germline): Uncertain significance (1 of 4 stars; one submission).

Conditions:
Gorlin syndrome. Also called: Nevoid Basal Cell Carcinoma Syndrome; Basal cell nevus syndrome. Identifiers: Orphanet 377, MedGen C0004779, MONDO:0007187.

Allele frequency attached by ClinVar (database versions not stated): TOPMed below 0.00001; gnomAD exomes 0.00001; ExAC 0.00003.
gnomAD v4.1: 5 of 1,613,846 alleles (0.00031%); highest among the groups gnomAD compares: Admixed American, 0.0033%; no homozygotes.

Submission:

Labcorp Genetics (formerly Invitae), Labcorp
Classification: Uncertain significance for Gorlin syndrome. Last evaluated: 2023-02-16. Review status: criteria provided, single submitter. Criteria: Invitae Variant Classification Sherloc (09022015). Collection method: clinical testing. Allele origin: germline.
Comment: This sequence change affects a donor splice site in intron 18 of the PTCH2 gene. It is expected to disrupt RNA splicing. Variants that disrupt the donor or acceptor splice site typically lead to a loss of protein function (PMID: 16199547), however the current clinical and genetic evidence is not sufficient to establish whether loss-of-function variants in PTCH2 cause disease. This variant is present in population databases (rs763706563, gnomAD 0.006%). This variant has not been reported in the literature in individuals affected with PTCH2-related conditions. Algorithms developed to predict the effect of sequence changes on RNA splicing suggest that this variant may disrupt the consensus splice site. In summary, the available evidence is currently insufficient to determine the role of this variant in disease. Therefore, it has been classified as a Variant of Uncertain Significance.

Literature cited by the submitters: PubMed 16199547.